The following is an entry in ClinVar:

NM_152703.5(SAMD9L):c.4722A>C (p.Glu1574Asp)

Gene: SAMD9L (sterile alpha motif domain containing 9 like; minus strand). Cytogenetic location: 7q21.2.
Variant type: single nucleotide variant.
Coding change: c.4722A>C on transcript NM_152703.5 (MANE Select); coding-DNA position 4722, A replaced by C.
Protein change: p.Glu1574Asp; replaces glutamic acid 1574 with aspartic acid.
Molecular consequence: missense variant.
Genome position (GRCh38, 1-based): chr7:93,131,250, T>G on the plus strand (A>C on the coding strand, the complement: SAMD9L is on the minus strand). VCF-style: chr7-93131250-T-G. GRCh37 (hg19) VCF-style: chr7-92760563-T-G.
Other names: c.4722A>C, p.Glu1574Asp (NM_001303496.3, NM_001303497.3, NM_001303498.3 and 5 more transcripts); short protein forms E1574D.
Identifiers: ClinVar variation 3950019 (VCV003950019.1).
Genomic context (GRCh38, chr7:93,131,250, plus strand): 5'-TATTTGAACTACAGGTGATGTATTGTCTTAAATTACTTCTATATCATATGCCAGAGGGCC[T>G]TCAATGGAAAATCCTAGGTAGAAAGACACTCTTTCTATGTTCCTACCACTTCTGAGTGGA-3'
Protein context (NP_689916.2, residues 1564-1584): RVSFYLGFSI[Glu1574Asp]GPLAYDIEVI

ClinVar aggregate classification (germline): Uncertain significance (1 of 4 stars; one submission).

Conditions:
Inborn genetic diseases. Identifiers: MedGen C0950123, MeSH D030342.

gnomAD v4.1: 4 of 1,584,068 alleles (0.00025%); highest among the groups gnomAD compares: Non-Finnish European, 0.00034%; no homozygotes.

Submission:

Ambry Genetics
Classification: Uncertain significance for Inborn genetic diseases. Last evaluated: 2025-06-13. Review status: criteria provided, single submitter. Criteria: Ambry Variant Classification Scheme 2023. Collection method: clinical testing. Allele origin: germline.
Comment: The p.E1574D variant (also known as c.4722A>C), located in coding exon 1 of the SAMD9L gene, results from an A to C substitution at nucleotide position 4722. The glutamic acid at codon 1574 is replaced by aspartic acid, an amino acid with highly similar properties. This amino acid position is conserved. In addition, this alteration is predicted to be tolerated by in silico analysis. Based on the available evidence, the clinical significance of this variant remains unclear.